The following is an entry in ClinVar:

ClinVar aggregate classification (germline): Uncertain significance. Review status: criteria provided, multiple submitters, no conflicts (2 of 4 stars). 2 submissions from 2 submitters: Uncertain significance (2). Last evaluated 2025-08-23.

Allele frequency attached by ClinVar (database versions not stated): gnomAD exomes below 0.00001.
gnomAD v4.1: 1 of 1,613,904 alleles (0.000062%); highest among the groups gnomAD compares: Admixed American, 0.0017%; no homozygotes.

Submissions (2):

Labcorp Genetics (formerly Invitae), Labcorp
Classification: Uncertain significance. Last evaluated: 2025-08-23. Review status: criteria provided, single submitter. Criteria: Invitae Variant Classification Sherloc (09022015). Collection method: clinical testing. Allele origin: germline.
Comment: This sequence change replaces glycine, which is neutral and non-polar, with valine, which is neutral and non-polar, at codon 118 of the IRF9 protein (p.Gly118Val). This variant is present in population databases (no rsID available, gnomAD 0.003%). This variant has not been reported in the literature in individuals affected with IRF9-related conditions. ClinVar contains an entry for this variant (Variation ID: 2286994). An algorithm developed to predict the effect of missense changes on protein structure and function (PolyPhen-2) suggests that this variant is likely to be disruptive. In summary, the available evidence is currently insufficient to determine the role of this variant in disease. Therefore, it has been classified as a Variant of Uncertain Significance.

Ambry Genetics
Classification: Uncertain significance. Last evaluated: 2022-05-01. Review status: criteria provided, single submitter. Criteria: Ambry Variant Classification Scheme 2023. Collection method: clinical testing. Allele origin: germline.

NM_006084.5(IRF9):c.353G>T (p.Gly118Val)

Gene: IRF9 (interferon regulatory factor 9; plus strand). Cytogenetic location: 14q12.
Variant type: single nucleotide variant.
Coding change: c.353G>T on transcript NM_006084.5 (MANE Select); coding-DNA position 353, G replaced by T.
Protein change: p.Gly118Val; replaces glycine 118 with valine.
Molecular consequence: missense variant.
Genome position (GRCh38, 1-based): chr14:24,163,138, G>T. VCF-style: chr14-24163138-G-T. GRCh37 (hg19) VCF-style: chr14-24632347-G-T.
Other names: c.353G>T, p.Gly118Val (NM_001385400.1, NM_001385401.1, NM_001385402.1); short protein forms G118V.
Identifiers: ClinVar variation 2286994 (VCV002286994.5), dbSNP rs955762978, ClinGen allele CA389202952.
Genomic context (GRCh38, chr14:24,163,138, plus strand): 5'-CTGAGAGGGGCCGCATGGATGTTGCTGAGCCCTACAAGGTGTATCAGTTGCTGCCACCAG[G>T]AATCGTCTCTGGTGAGTTTCCCCTTGTCCAACCACTGCTAGACTCAGCAGACTGGGGAGG-3'
Protein context (NP_006075.3, residues 108-128): PYKVYQLLPP[Gly118Val]IVSGQPGTQK